The following is an entry in ClinVar:

NM_025136.4(OPA3):c.224C>T (p.Ala75Val)

Genes: OPA3 (outer mitochondrial membrane lipid metabolism regulator OPA3; minus strand), OPA3-RTN2 (OPA3-RTN2 readthrough; minus strand). Cytogenetic location: 19q13.32.
Variant type: single nucleotide variant.
Coding change: c.224C>T on transcript NM_025136.4 (MANE Select); coding-DNA position 224, C replaced by T.
Protein change: p.Ala75Val; replaces alanine 75 with valine.
Molecular consequence: missense variant. On other transcripts: intron variant (1).
Genome position (GRCh38, 1-based): chr19:45,553,830, G>A on the plus strand (C>T on the coding strand, the complement: OPA3 is on the minus strand). VCF-style: chr19-45553830-G-A. GRCh37 (hg19) VCF-style: chr19-46057088-G-A.
Other names: c.143-24374C>T (NM_001017989.3); short protein forms A75V.
Identifiers: ClinVar variation 1521158 (VCV001521158.7), dbSNP rs769541845, ClinGen allele CA9517434.

ClinVar aggregate classification (germline): Uncertain significance. Review status: criteria provided, multiple submitters, no conflicts (2 of 4 stars). 2 submissions from 2 submitters: Uncertain significance (2). Last evaluated 2025-11-12.

Conditions:
Optic atrophy 3 (OPA3). Also called: OPTIC ATROPHY 3, AUTOSOMAL DOMINANT; Optic atrophy, cataract, and neurologic disorder; Optic atrophy 3 with cataract. Identifiers: Orphanet 67036, MedGen C1833809, MONDO:0008133, OMIM 165300.
3-Methylglutaconic aciduria type 3 (MGCA3). Also called: OPA3, AUTOSOMAL RECESSIVE; OPTIC ATROPHY 3, AUTOSOMAL RECESSIVE; Costeff Syndrome; OPA3-Related 3-Methylglutaconic Aciduria. Identifiers: Orphanet 67047, MedGen C0574084, MONDO:0009787, OMIM 258501.

Allele frequency attached by ClinVar (database versions not stated): gnomAD exomes below 0.00001; TOPMed below 0.00001; ExAC 0.00001; gnomAD 0.00001.
gnomAD v4.1: 2 of 1,612,950 alleles (0.00012%); highest among the groups gnomAD compares: Admixed American, 0.0017%; no homozygotes.

Submissions (2):

Dasa
Classification: Uncertain significance. Last evaluated: 2025-11-12. Review status: criteria provided, single submitter. Criteria: DASA Assertion Criteria. Collection method: clinical testing. Allele origin: germline.
Comment: NM_025136.4(OPA3):c.224C>T (p.Ala75Val) is a missense variant that results in the substitution of alanine with valine. This variant is rare in population databases. Computational prediction algorithms are consistent with a deleterious effect. The currently available literature and clinical evidence are not sufficient to establish a definitive association between this variant and the reported condition. Therefore, this variant is classified as a variant of uncertain significance.

Labcorp Genetics (formerly Invitae), Labcorp
Classification: Uncertain significance for 3-Methylglutaconic aciduria type 3; Optic atrophy 3. Last evaluated: 2022-03-19. Review status: criteria provided, single submitter. Criteria: Invitae Variant Classification Sherloc (09022015). Collection method: clinical testing. Allele origin: germline.
Comment: This sequence change replaces alanine, which is neutral and non-polar, with valine, which is neutral and non-polar, at codon 75 of the OPA3 protein (p.Ala75Val). The frequency data for this variant in the population databases is considered unreliable, as metrics indicate poor data quality at this position in the gnomAD database. This variant has not been reported in the literature in individuals affected with OPA3-related conditions. Algorithms developed to predict the effect of missense changes on protein structure and function are either unavailable or do not agree on the potential impact of this missense change (SIFT: "Tolerated"; PolyPhen-2: "Possibly Damaging"; Align-GVGD: "Class C0"). In summary, the available evidence is currently insufficient to determine the role of this variant in disease. Therefore, it has been classified as a Variant of Uncertain Significance.